The following is an entry in ClinVar:

ClinVar aggregate classification (germline): Likely benign (0 of 4 stars; one submission).

Conditions:
SLCO1B3-related disorder. Also called: SLCO1B3-related condition.

Allele frequency attached by ClinVar (database versions not stated): gnomAD 0.00006; ESP Exome Variant Server 0.00008.
gnomAD v4.1: 30 of 1,600,456 alleles (0.0019%); highest among the groups gnomAD compares: African/African-American, 0.012%; no homozygotes.

Submission:

PreventionGenetics, part of Exact Sciences
Classification: Likely benign for SLCO1B3-related condition. Last evaluated: 2023-04-26. Review status: no assertion criteria provided. Collection method: clinical testing. Allele origin: germline.
Comment: This variant is classified as likely benign based on ACMG/AMP sequence variant interpretation guidelines (Richards et al. 2015 PMID: 25741868, with internal and published modifications).

NM_019844.4(SLCO1B3):c.702C>T (p.Tyr234=)

Genes: SLCO1B3 (solute carrier organic anion transporter family member 1B3; plus strand), SLCO1B3-SLCO1B7 (SLCO1B3-SLCO1B7 readthrough; plus strand). Cytogenetic location: 12p12.2.
Variant type: single nucleotide variant.
Coding change: c.702C>T on transcript NM_019844.4 (MANE Select); coding-DNA position 702, C replaced by T.
Protein change: p.Tyr234=; no amino-acid change (tyrosine 234 retained).
Molecular consequence: synonymous variant.
Genome position (GRCh38, 1-based): chr12:20,862,829, C>T. VCF-style: chr12-20862829-C-T. GRCh37 (hg19) VCF-style: chr12-21015763-C-T.
Other names: c.702C>T, p.Tyr234= (NM_001371097.1); c.618C>T, p.Tyr206= (NM_001349920.2).
Identifiers: ClinVar variation 3032132 (VCV003032132.2), dbSNP rs374015229, ClinGen allele CA6475299.